The following is an entry in ClinVar:

NM_001368894.2(PAX6):c.130C>T (p.Arg44Ter)

Gene: PAX6 (paired box 6; minus strand). Cytogenetic location: 11p13.
Variant type: single nucleotide variant.
Coding change: c.130C>T on transcript NM_001368894.2 (MANE Select); coding-DNA position 130, C replaced by T.
Protein change: p.Arg44Ter; replaces arginine 44 with a stop codon.
Molecular consequence: nonsense. On other transcripts: 5 prime UTR variant (12), non-coding transcript variant (2), intron variant (2).
Genome position (GRCh38, 1-based): chr11:31,802,715, G>A on the plus strand (C>T on the coding strand, the complement: PAX6 is on the minus strand). VCF-style: chr11-31802715-G-A. GRCh37 (hg19) VCF-style: chr11-31824263-G-A.
Other names: c.-279C>T (NM_001368899.2, NM_001368901.2, NM_001368906.2 and 1 more transcripts); c.-321C>T (NM_001368900.2, NM_001368903.2, NM_001368908.2 and 2 more transcripts); c.-610C>T (NM_001368902.2); c.-652C>T (NM_001368905.2, NM_001310160.2); c.373C>T, p.Arg125Ter (NM_001368910.2); c.133C>T, p.Arg45Ter (NM_001368911.2); c.130C>T, p.Arg44Ter (NM_001368912.2, NM_001368913.2, NM_001368914.2 and 30 more transcripts); c.130C>T (NM_001604.5); and 1 more; short protein forms R44*, R125*, R45*.
Identifiers: ClinVar variation 430976 (VCV000430976.10), dbSNP rs141873759, ClinGen allele CA379959480.

ClinVar aggregate classification (germline): Pathogenic. Review status: criteria provided, multiple submitters, no conflicts (2 of 4 stars). 4 submissions from 4 submitters: Pathogenic (2). 2 of the submissions do not count toward it. Last evaluated 2026-01-01.

Conditions:
PAX6-related disorder. Also called: PAX6-related disorders; PAX6-related condition.
Irido-corneo-trabecular dysgenesis (ASGD5). Also called: ANTERIOR SEGMENT DYSGENESIS 5. Identifiers: Orphanet 708, MedGen C0344559, MONDO:0011414, OMIM 604229, HP:0000659.
Aniridia 1 (AN1). Identifiers: Orphanet 250923, MedGen C0344542, MONDO:0024507, OMIM 106210.

Submissions (4):

CeGaT Center for Human Genetics Tuebingen
Classification: Pathogenic. Last evaluated: 2026-01-01. Review status: criteria provided, single submitter. Criteria: CeGaT Center For Human Genetics Tuebingen Variant Classification Criteria Version 2. Collection method: clinical testing. Allele origin: germline. Affected: yes. Observed: 1 variant allele.
Comment: PAX6: PVS1, PM2, PP1:Moderate, PS4:Moderate

Labcorp Genetics (formerly Invitae), Labcorp
Classification: Pathogenic for Aniridia 1; Irido-corneo-trabecular dysgenesis. Last evaluated: 2025-01-27. Review status: criteria provided, single submitter. Criteria: Invitae Variant Classification Sherloc (09022015). Collection method: clinical testing. Allele origin: germline.
Comment: This sequence change creates a premature translational stop signal (p.Arg44*) in the PAX6 gene. It is expected to result in an absent or disrupted protein product. Loss-of-function variants in PAX6 are known to be pathogenic (PMID: 12634864). This variant is not present in population databases (gnomAD no frequency). This premature translational stop signal has been observed in individual(s) with congenital aniridia (PMID: 34942114). ClinVar contains an entry for this variant (Variation ID: 430976). For these reasons, this variant has been classified as Pathogenic.

PreventionGenetics, part of Exact Sciences
Classification: Pathogenic for PAX6-related condition. Last evaluated: 2024-04-04. Review status: no assertion criteria provided. Collection method: clinical testing. Allele origin: germline. Not counted in ClinVar's aggregate classification.
Comment: The PAX6 c.130C>T variant is predicted to result in premature protein termination (p.Arg44*). This variant has been reported in individuals with aniridia (Neuner-Jehle et al. 1997. PubMed ID: 10694925; Table S1, Daruich et al. 2022. PubMed ID: 34942114). This variant has not been reported in a large population database, indicating this variant is rare. Nonsense variants in PAX6 are expected to be pathogenic. Given the evidence, we interpret this variant as pathogenic.

Laboratory of Genetic Epidemiology, Research Centre for Medical Genetics
Classification: Pathogenic for Aniridia 1. Review status: no assertion criteria provided. Collection method: research. Allele origin: de novo. Inheritance: Autosomal dominant inheritance. Affected: yes. Observed: 1 heterozygote. Not counted in ClinVar's aggregate classification.

Literature cited by the submitters: PubMed 12634864 (cited by Labcorp Genetics (formerly Invitae), Labcorp); PubMed 34942114 (cited by Labcorp Genetics (formerly Invitae), Labcorp); PubMed 28321846 (cited by Laboratory of Genetic Epidemiology, Research Centre for Medical Genetics).